The following is an entry in ClinVar:

NM_002769.5(PRSS1):c.163G>C (p.Glu55Gln)

Genes: TRB (T cell receptor beta locus; plus strand), PRSS1 (serine protease 1; plus strand). Cytogenetic location: 7q34.
Variant type: single nucleotide variant.
Coding change: c.163G>C on transcript NM_002769.5 (MANE Select); coding-DNA position 163, G replaced by C.
Protein change: p.Glu55Gln; replaces glutamic acid 55 with glutamine.
Molecular consequence: missense variant.
Genome position (GRCh38, 1-based): chr7:142,750,677, G>C. VCF-style: chr7-142750677-G-C. GRCh37 (hg19) VCF-style: chr7-142458528-G-C.
Other names: short protein forms E55Q.
Identifiers: ClinVar variation 643538 (VCV000643538.12), dbSNP rs1365488828, ClinGen allele CA369607460.

ClinVar aggregate classification (germline): Uncertain significance. Review status: criteria provided, multiple submitters, no conflicts (2 of 4 stars). 3 submissions from 3 submitters: Uncertain significance (3). Last evaluated 2024-08-06.

Conditions:
Hereditary pancreatitis (PCTT). Also called: PRSS1-Related Hereditary Pancreatitis; Hereditary chronic pancreatitis. Identifiers: Orphanet 676, MedGen C0238339, MONDO:0008185, OMIM 167800.

Allele frequency attached by ClinVar (database versions not stated): gnomAD exomes below 0.00001; TOPMed below 0.00001; gnomAD 0.00001.
gnomAD v4.1: 5 of 1,613,100 alleles (0.00031%); highest among the groups gnomAD compares: South Asian, 0.0011%; no homozygotes.

Submissions (3):

Ambry Genetics
Classification: Uncertain significance for Hereditary pancreatitis. Last evaluated: 2024-08-06. Review status: criteria provided, single submitter. Criteria: Ambry Variant Classification Scheme 2023. Collection method: clinical testing. Allele origin: germline.
Comment: The p.E55Q variant (also known as c.163G>C), located in coding exon 2 of the PRSS1 gene, results from a G to C substitution at nucleotide position 163. The glutamic acid at codon 55 is replaced by glutamine, an amino acid with highly similar properties. This amino acid position is poorly conserved in available vertebrate species. In addition, this alteration is predicted to be tolerated by in silico analysis. Based on the available evidence, the clinical significance of this variant remains unclear.

Labcorp Genetics (formerly Invitae), Labcorp
Classification: Uncertain significance for Hereditary pancreatitis. Last evaluated: 2024-03-29. Review status: criteria provided, single submitter. Criteria: Invitae Variant Classification Sherloc (09022015). Collection method: clinical testing. Allele origin: germline.
Comment: This sequence change replaces glutamic acid, which is acidic and polar, with glutamine, which is neutral and polar, at codon 55 of the PRSS1 protein (p.Glu55Gln). The frequency data for this variant in the population databases is considered unreliable, as metrics indicate poor data quality at this position in the gnomAD database. This variant has not been reported in the literature in individuals affected with PRSS1-related conditions. ClinVar contains an entry for this variant (Variation ID: 643538). Advanced modeling of protein sequence and biophysical properties (such as structural, functional, and spatial information, amino acid conservation, physicochemical variation, residue mobility, and thermodynamic stability) performed at Invitae indicates that this missense variant is not expected to disrupt PRSS1 protein function with a negative predictive value of 80%. In summary, the available evidence is currently insufficient to determine the role of this variant in disease. Therefore, it has been classified as a Variant of Uncertain Significance.

Women's Health and Genetics/Laboratory Corporation of America, LabCorp
Classification: Uncertain significance. Last evaluated: 2023-02-22. Review status: criteria provided, single submitter. Criteria: LabCorp Variant Classification Summary - May 2015. Collection method: clinical testing. Allele origin: germline.
Comment: Variant summary: PRSS1 c.163G>C (p.Glu55Gln) results in a conservative amino acid change located in the Serine proteases, trypsin domain (IPR001254) of the encoded protein sequence. Five of five in-silico tools predict a benign effect of the variant on protein function. The variant allele was found at a frequency of 4e-06 in 251124 control chromosomes. The available data on variant occurrences in the general population are insufficient to allow any conclusion about variant significance. To our knowledge, no occurrence of c.163G>C in individuals affected with Chronic Pancreatitis Risk and no experimental evidence demonstrating its impact on protein function have been reported. Two clinical diagnostic laboratories have submitted clinical-significance assessments for this variant to ClinVar after 2014, and both laboratories classified the variant as uncertain significance. Based on the evidence outlined above, the variant was classified as uncertain significance.